The following is an entry in ClinVar:

NM_144499.3(GNAT1):c.863-4G>C

Gene: GNAT1 (G protein subunit alpha transducin 1; plus strand). Cytogenetic location: 3p21.31.
Variant type: single nucleotide variant.
Coding change: c.863-4G>C on transcript NM_144499.3 (MANE Select); 4 bases into the intron before coding-DNA position 863, G replaced by C.
Molecular consequence: intron variant.
Genome position (GRCh38, 1-based): chr3:50,194,761, G>C. VCF-style: chr3-50194761-G-C. GRCh37 (hg19) VCF-style: chr3-50232194-G-C.
Other names: c.863-4G>C (NM_000172.4).
Identifiers: ClinVar variation 1914816 (VCV001914816.5), dbSNP rs1206450478, ClinGen allele CA543052746.

ClinVar aggregate classification (germline): Uncertain significance (1 of 4 stars; one submission).

Allele frequency attached by ClinVar (database versions not stated): TOPMed 0.00001; gnomAD 0.00002.
gnomAD v4.1: 6 of 1,613,208 alleles (0.00037%); highest among the groups gnomAD compares: East Asian, 0.0089%; no homozygotes.

Submission:

Labcorp Genetics (formerly Invitae), Labcorp
Classification: Uncertain significance. Last evaluated: 2022-08-16. Review status: criteria provided, single submitter. Criteria: Invitae Variant Classification Sherloc (09022015). Collection method: clinical testing. Allele origin: germline.
Comment: In summary, the available evidence is currently insufficient to determine the role of this variant in disease. Therefore, it has been classified as a Variant of Uncertain Significance. Algorithms developed to predict the effect of sequence changes on RNA splicing suggest that this variant may disrupt the consensus splice site. This variant has not been reported in the literature in individuals affected with GNAT1-related conditions. This variant is present in population databases (no rsID available, gnomAD 0.01%). This sequence change falls in intron 7 of the GNAT1 gene. It does not directly change the encoded amino acid sequence of the GNAT1 protein.